The following is an entry in ClinVar:

NM_000059.4(BRCA2):c.10033_10035delinsTCT (p.Ala3345Ser)

Gene: BRCA2 (BRCA2 DNA repair associated; plus strand). Cytogenetic location: 13q13.1.
Variant type: Indel.
Coding change: c.10033_10035delinsTCT on transcript NM_000059.4 (MANE Select); coding-DNA positions 10033 to 10035, GCA replaced by TCT.
Protein change: p.Ala3345Ser; replaces alanine 3345 with serine.
Molecular consequence: missense variant.
Genome position (GRCh38, 1-based): chr13:32,398,546-32,398,548, GCA replaced by TCT. VCF-style: chr13-32398546-GCA-TCT. GRCh37 (hg19) VCF-style: chr13-32972683-GCA-TCT.
Other names: c.9982_9984delGCAinsTCT, p.Ala3328Ser (NM_001406720.1); c.9937_9939delGCAinsTCT, p.Ala3313Ser (NM_001406719.1); c.5101_5103delGCAinsTCT, p.Ala1701Ser (NM_001406721.1); c.3616_3618delGCAinsTCT, p.Ala1206Ser (NM_001406722.1); short protein forms A1206S, A1701S, A3313S, A3328S, A3345S.
Identifiers: ClinVar variation 619798 (VCV000619798.7), dbSNP rs1566261344, ClinGen allele CA913190453.
Genomic context (GRCh38, chr13:32,398,546, plus strand): 5'-TTTAAAAAATTCAATGAAATTTCTCTTTTGGAAAGTAATTCAATAGCTGACGAAGAACTT[GCA>TCT]TTGATAAATACCCAAGCTCTTTTGTCTGGTTCAACAGGAGAAAAACAATTTATATCTGTC-3'
Protein context (NP_000050.3, residues 3335-3355): ESNSIADEEL[Ala3345Ser]LINTQALLSG

ClinVar aggregate classification (germline): Uncertain significance. Review status: criteria provided, multiple submitters, no conflicts (2 of 4 stars). 3 submissions from 3 submitters: Uncertain significance (3). Last evaluated 2025-11-04.

Conditions:
Hereditary cancer-predisposing syndrome. Also called: Tumor predisposition; Hereditary Cancer Syndrome; Neoplastic Syndromes, Hereditary; Hereditary neoplastic syndrome. Identifiers: Orphanet 140162, MedGen C0027672, MeSH D009386, MONDO:0015356.

Submissions (3):

Ambry Genetics
Classification: Uncertain significance for Hereditary cancer-predisposing syndrome. Last evaluated: 2025-11-04. Review status: criteria provided, single submitter. Criteria: Ambry Variant Classification Scheme 2023. Collection method: clinical testing. Allele origin: germline.
Comment: The c.10033_10035delGCAinsTCT variant (also known as p.A3345S), located in coding exon 26 of the BRCA2 gene, results from an in-frame deletion of GCA and insertion of TCT at nucleotide positions 10033 to 10035. This results in the substitution of the alanine residue for a serine residue at codon 3345, an amino acid with similar properties. This amino acid position is highly conserved in available vertebrate species. In addition, this alteration is predicted to be neutral by in silico analysis (Choi Y et al. PLoS ONE. 2012; 7(10):e46688). Based on the available evidence, the clinical significance of this variant remains unclear.

Color Diagnostics, LLC DBA Color Health
Classification: Uncertain significance for Hereditary cancer-predisposing syndrome. Last evaluated: 2025-09-08. Review status: criteria provided, single submitter. Criteria: ACMG Guidelines, 2015. Collection method: clinical testing. Allele origin: germline.
Comment: This missense variant replaces alanine with serine at codon 3345 of the BRCA2 protein. Computational prediction suggests that this variant may not impact protein structure and function. To our knowledge, functional studies have not been reported for this variant. This variant has not been reported in individuals affected with BRCA2-related disorders in the literature. This variant has not been identified in the general population by the Genome Aggregation Database (gnomAD). The available evidence is insufficient to determine the role of this variant in disease conclusively. Therefore, this variant is classified as a Variant of Uncertain Significance.

Quest Diagnostics Nichols Institute San Juan Capistrano
Classification: Uncertain significance. Last evaluated: 2017-08-29. Review status: criteria provided, single submitter. Criteria: Quest Diagnostics criteria. Collection method: clinical testing. Allele origin: germline.